The following is an entry in ClinVar:

ClinVar aggregate classification (germline): Uncertain significance. Review status: criteria provided, multiple submitters, no conflicts (2 of 4 stars). 2 submissions from 2 submitters: Uncertain significance (2). Last evaluated 2025-06-08.

Conditions:
Charcot-Marie-Tooth disease type 2. Also called: Charcot-Marie-Tooth type 2. Identifiers: Orphanet 64746, MedGen C0270914, MONDO:0018993.

Allele frequency attached by ClinVar (database versions not stated): ESP Exome Variant Server 0.00008; ExAC 0.00002; gnomAD exomes 0.00001; TOPMed 0.00003.
gnomAD v4.1: 11 of 1,614,184 alleles (0.00068%); highest among the groups gnomAD compares: African/African-American, 0.0027%; no homozygotes.

Submissions (2):

Labcorp Genetics (formerly Invitae), Labcorp
Classification: Uncertain significance for Charcot-Marie-Tooth disease type 2. Last evaluated: 2025-06-08. Review status: criteria provided, single submitter. Criteria: Invitae Variant Classification Sherloc (09022015). Collection method: clinical testing. Allele origin: germline.
Comment: This sequence change replaces serine, which is neutral and polar, with asparagine, which is neutral and polar, at codon 734 of the KIF1B protein (p.Ser734Asn). This variant is present in population databases (rs376551423, gnomAD 0.007%). This variant has not been reported in the literature in individuals affected with KIF1B-related conditions. ClinVar contains an entry for this variant (Variation ID: 1787638). Invitae Evidence Modeling of protein sequence and biophysical properties (such as structural, functional, and spatial information, amino acid conservation, physicochemical variation, residue mobility, and thermodynamic stability) has been performed for this missense variant. However, the output from this modeling did not meet the statistical confidence thresholds required to predict the impact of this variant on KIF1B protein function. In summary, the available evidence is currently insufficient to determine the role of this variant in disease. Therefore, it has been classified as a Variant of Uncertain Significance.

Ambry Genetics
Classification: Uncertain significance. Last evaluated: 2024-04-12. Review status: criteria provided, single submitter. Criteria: Ambry Variant Classification Scheme 2023. Collection method: clinical testing. Allele origin: germline.
Comment: The p.S734N variant (also known as c.2201G>A), located in coding exon 21 of the KIF1B gene, results from a G to A substitution at nucleotide position 2201. The serine at codon 734 is replaced by asparagine, an amino acid with highly similar properties. This amino acid position is conserved. In addition, the in silico prediction for this alteration is inconclusive. Since supporting evidence is limited at this time, the clinical significance of this alteration remains unclear.

NM_001365951.3(KIF1B):c.2339G>A (p.Ser780Asn)

Gene: KIF1B (kinesin family member 1B; plus strand). Cytogenetic location: 1p36.22.
Variant type: single nucleotide variant.
Coding change: c.2339G>A on transcript NM_001365951.3 (MANE Select); coding-DNA position 2339, G replaced by A.
Protein change: p.Ser780Asn; replaces serine 780 with asparagine.
Molecular consequence: missense variant.
Genome position (GRCh38, 1-based): chr1:10,321,838, G>A. VCF-style: chr1-10321838-G-A. GRCh37 (hg19) VCF-style: chr1-10381896-G-A.
Other names: c.2339G>A, p.Ser780Asn (NM_001365952.1); c.2201G>A, p.Ser734Asn (NM_015074.3); short protein forms S780N, S734N.
Identifiers: ClinVar variation 1787638 (VCV001787638.5), dbSNP rs376551423, ClinGen allele CA581501.
Genomic context (GRCh38, chr1:10,321,838, plus strand): 5'-CTTCATTACGGGACTTACTCTGGGGCAATGCCGTGTACCTAAAGGAGGCCAATGCCATCA[G>A]TGTGGAACTGAAAAAGAAGGTATGGAGCAGGAGGACACAGGAGAGCTGGAGGCAAAGCCG-3'
Protein context (NP_001352880.1, residues 770-790): AVYLKEANAI[Ser780Asn]VELKKKVQFQ